The following is an entry in ClinVar:

ClinVar aggregate classification (germline): Benign/Likely benign. Review status: criteria provided, multiple submitters, no conflicts (2 of 4 stars). 4 submissions from 4 submitters: Benign (3); Likely benign (1). Last evaluated 2025-11-06.

Conditions:
Myopathy, centronuclear, 2 (CNM2). Also called: MYOTUBULAR MYOPATHY, AUTOSOMAL RECESSIVE. Identifiers: Orphanet 169186, MedGen CN031787, MONDO:0009709, OMIM 255200.

Allele frequency attached by ClinVar (database versions not stated): gnomAD exomes 0.00050 and 0.00165; gnomAD 0.00062 and 0.00043; 1000 Genomes Project 30x 0.00219; 1000 Genomes Project 0.00280; TOPMed 0.00099; ExAC 0.00341.
gnomAD v4.1: 813 of 1,587,120 alleles (0.051%); highest among the groups gnomAD compares: East Asian, 1.7%; 7 homozygotes.

Submissions (4):

Labcorp Genetics (formerly Invitae), Labcorp
Classification: Benign for Myopathy, centronuclear, 2. Last evaluated: 2025-11-06. Review status: criteria provided, single submitter. Criteria: Invitae Variant Classification Sherloc (09022015). Collection method: clinical testing. Allele origin: germline.

GeneDx
Classification: Benign. Last evaluated: 2019-07-02. Review status: criteria provided, single submitter. Criteria: GeneDx Variant Classification Process June 2021. Collection method: clinical testing. Allele origin: germline. Affected: yes.
Comment: This variant is associated with the following publications: (PMID: 24582639, 31182772)

Illumina Laboratory Services, Illumina
Classification: Likely benign for Myopathy, centronuclear, 2. Last evaluated: 2018-01-13. Review status: criteria provided, single submitter. Criteria: ICSL Variant Classification Criteria 13 December 2019. Collection method: clinical testing. Allele origin: germline.
Comment: This variant was observed in the ICSL laboratory as part of a predisposition screen in an ostensibly healthy population. It had not been previously curated by ICSL or reported in the Human Gene Mutation Database (HGMD: prior to June 1st, 2018), and was therefore a candidate for classification through an automated scoring system. Utilizing variant allele frequency, disease prevalence and penetrance estimates, and inheritance mode, an automated score was calculated to assess if this variant is too frequent to cause the disease. Based on the score and internal cut-off values, a variant classified as likely benign is not then subjected to further curation. The score for this variant resulted in a classification of likely benign for this disease.

PreventionGenetics, part of Exact Sciences
Classification: Benign. Review status: criteria provided, single submitter. Criteria: ACMG Guidelines, 2015. Collection method: clinical testing. Allele origin: germline.

NM_139343.3(BIN1):c.1292C>T (p.Pro431Leu)

Gene: BIN1 (bridging integrator 1; minus strand). Cytogenetic location: 2q14.3.
Variant type: single nucleotide variant.
Coding change: c.1292C>T on transcript NM_139343.3 (MANE Select); coding-DNA position 1292, C replaced by T.
Protein change: p.Pro431Leu; replaces proline 431 with leucine.
Molecular consequence: missense variant. On other transcripts: intron variant (9).
Genome position (GRCh38, 1-based): chr2:127,052,334, G>A on the plus strand (C>T on the coding strand, the complement: BIN1 is on the minus strand). VCF-style: chr2-127052334-G-A. GRCh37 (hg19) VCF-style: chr2-127809910-G-A.
Other names: c.1199C>T, p.Pro400Leu (NM_001320641.2); c.1211C>T, p.Pro404Leu (NM_001320642.1); c.1163C>T, p.Pro388Leu (NM_139344.3); c.1031C>T, p.Pro344Leu (NM_139345.3); c.1067C>T, p.Pro356Leu (NM_139347.3); c.938C>T, p.Pro313Leu (NM_139349.3); c.838-1422C>T (NM_001320634.1); c.910-1422C>T (NM_139351.3); and 7 more; short protein forms P431L, P388L, P313L, P344L, P400L, P404L, P356L.
Identifiers: ClinVar variation 262473 (VCV000262473.18), dbSNP rs141119288, ClinGen allele CA1857103.